The following is an entry in ClinVar:

NM_020686.6(ABAT):c.1270-4A>G

Gene: ABAT (4-aminobutyrate aminotransferase; plus strand). Cytogenetic location: 16p13.2.
Variant type: single nucleotide variant.
Coding change: c.1270-4A>G on transcript NM_020686.6 (MANE Select); 4 bases into the intron before coding-DNA position 1270, A replaced by G.
Molecular consequence: intron variant.
Genome position (GRCh38, 1-based): chr16:8,779,475, A>G. VCF-style: chr16-8779475-A-G. GRCh37 (hg19) VCF-style: chr16-8873332-A-G.
Other names: c.1270-4A>G (NM_001386602.1, NM_001386603.1, NM_001386600.1 and 5 more transcripts); c.1366-4A>G (NM_001386615.1); c.1270-1834A>G (NM_001386609.1); c.1231-4A>G (NM_001386605.1); c.1207-4A>G (NM_001386607.1, NM_001386606.1); c.1177-4A>G (NM_001386608.1); c.1135-4A>G (NM_001386610.1, NM_001386611.1); c.1024-4A>G (NM_001386614.1); and 1 more.
Identifiers: ClinVar variation 321088 (VCV000321088.18), dbSNP rs12447235, ClinGen allele CA7893506.

ClinVar aggregate classification (germline): Benign. Review status: criteria provided, multiple submitters, no conflicts (2 of 4 stars). 4 submissions from 4 submitters: Benign (3). 1 of the submissions does not count toward it. Last evaluated 2026-02-03.

Conditions:
Gamma-aminobutyric acid transaminase deficiency (GABATD). Also called: GABA aminotransaminase deficiency; GABA transaminase deficiency; Gamma aminobutyrate transaminase deficiency; 4 alpha aminobutyrate transaminase deficiency. Identifiers: Orphanet 2066, MedGen C0342708, MONDO:0013166, OMIM 613163.

Allele frequency attached by ClinVar (database versions not stated): gnomAD exomes 0.05383 and 0.06101; ExAC 0.05534; 1000 Genomes Project 0.05651; 1000 Genomes Project 30x 0.05731; gnomAD 0.06970 and 0.07354; TOPMed 0.07275; ESP Exome Variant Server 0.07427.
gnomAD v4.1: 99,825 of 1,613,414 alleles (6.2%); highest among the groups gnomAD compares: African/African-American, 9.5%; 3,462 homozygotes.

Submissions (4):

Labcorp Genetics (formerly Invitae), Labcorp
Classification: Benign for Gamma-aminobutyric acid transaminase deficiency. Last evaluated: 2026-02-03. Review status: criteria provided, single submitter. Criteria: Invitae Variant Classification Sherloc (09022015). Collection method: clinical testing. Allele origin: germline.

Illumina Laboratory Services, Illumina
Classification: Benign for Gamma-aminobutyric acid transaminase deficiency. Last evaluated: 2018-01-13. Review status: criteria provided, single submitter. Criteria: ICSL Variant Classification Criteria 13 December 2019. Collection method: clinical testing. Allele origin: germline.
Comment: This variant was observed in the ICSL laboratory as part of a predisposition screen in an ostensibly healthy population. It had not been previously curated by ICSL or reported in the Human Gene Mutation Database (HGMD: prior to June 1st, 2018), and was therefore a candidate for classification through an automated scoring system. Utilizing variant allele frequency, disease prevalence and penetrance estimates, and inheritance mode, an automated score was calculated to assess if this variant is too frequent to cause the disease. Based on the score and internal cut-off values, a variant classified as benign is not then subjected to further curation. The score for this variant resulted in a classification of benign for this disease.

Breakthrough Genomics
Classification: Benign. Review status: criteria provided, single submitter. Criteria: ACMG Guidelines, 2015. Collection method: not provided. Allele origin: germline. Inheritance: Autosomal recessive inheritance. Affected: yes.

Mayo Clinic Laboratories, Mayo Clinic
Classification: Benign. Last evaluated: 2016-02-22. Review status: no assertion criteria provided. Collection method: clinical testing. Allele origin: unknown. Not counted in ClinVar's aggregate classification.